The following is an entry in ClinVar:

NM_000321.3(RB1):c.583T>G (p.Trp195Gly)

Gene: RB1 (RB transcriptional corepressor 1; plus strand). Cytogenetic location: 13q14.2.
Variant type: single nucleotide variant.
Coding change: c.583T>G on transcript NM_000321.3 (MANE Select); coding-DNA position 583, T replaced by G.
Protein change: p.Trp195Gly; replaces tryptophan 195 with glycine.
Molecular consequence: missense variant.
Genome position (GRCh38, 1-based): chr13:48,348,999, T>G. VCF-style: chr13-48348999-T-G. GRCh37 (hg19) VCF-style: chr13-48923135-T-G.
Other names: c.583T>G, p.Trp195Gly (NM_001407165.1, NM_001407166.1); short protein forms W195G.
Identifiers: ClinVar variation 2450525 (VCV002450525.3), dbSNP rs2542165948, ClinGen allele CA388156965.
Genomic context (GRCh38, chr13:48,348,999, plus strand): 5'-TTCTATTTGTTTAATAGGATATCTACTGAAATAAATTCTGCATTGGTGCTAAAAGTTTCT[T>G]GGATCACATTTTTATTAGCTAAAGGTAAGTTCATTATATTTATTAAATGCTAATATTTCA-3'
Protein context (NP_000312.2, residues 185-205): INSALVLKVS[Trp195Gly]ITFLLAKGEV

ClinVar aggregate classification (germline): Uncertain significance (1 of 4 stars; one submission).

Conditions:
Hereditary cancer-predisposing syndrome. Also called: Tumor predisposition; Hereditary Cancer Syndrome; Hereditary neoplastic syndrome; Neoplastic Syndromes, Hereditary. Identifiers: Orphanet 140162, MedGen C0027672, MeSH D009386, MONDO:0015356.

Submission:

Ambry Genetics
Classification: Uncertain significance for Hereditary cancer-predisposing syndrome. Last evaluated: 2026-04-16. Review status: criteria provided, single submitter. Criteria: Ambry Variant Classification Scheme 2023. Collection method: clinical testing. Allele origin: germline.
Comment: The p.W195G variant (also known as c.583T>G), located in coding exon 6 of the RB1 gene, results from a T to G substitution at nucleotide position 583. The tryptophan at codon 195 is replaced by glycine, an amino acid with highly dissimilar properties. This amino acid position is highly conserved in available vertebrate species. In addition, this alteration is predicted to be deleterious by in silico analysis. Based on the available evidence, the clinical significance of this variant remains unclear.